The following is an entry in ClinVar:

ClinVar aggregate classification (germline): Uncertain significance (1 of 4 stars; one submission).

Submission:

Labcorp Genetics (formerly Invitae), Labcorp
Classification: Uncertain significance. Last evaluated: 2022-09-06. Review status: criteria provided, single submitter. Criteria: Invitae Variant Classification Sherloc (09022015). Collection method: clinical testing. Allele origin: germline.
Comment: In summary, the available evidence is currently insufficient to determine the role of this variant in disease. Therefore, it has been classified as a Variant of Uncertain Significance. Experimental studies and prediction algorithms are not available or were not evaluated, and the functional significance of this variant is currently unknown. ClinVar contains an entry for this variant (Variation ID: 1486438). This variant has not been reported in the literature in individuals affected with KIZ-related conditions. This variant is not present in population databases (gnomAD no frequency). This sequence change replaces lysine, which is basic and polar, with arginine, which is basic and polar, at codon 39 of the KIZ protein (p.Lys39Arg).

NM_018474.6(KIZ):c.116A>G (p.Lys39Arg)

Gene: KIZ (kizuna centrosomal protein; plus strand). Cytogenetic location: 20p11.23.
Variant type: single nucleotide variant.
Coding change: c.116A>G on transcript NM_018474.6 (MANE Select); coding-DNA position 116, A replaced by G.
Protein change: p.Lys39Arg; replaces lysine 39 with arginine.
Molecular consequence: missense variant. On other transcripts: 5 prime UTR variant (4), intron variant (1).
Genome position (GRCh38, 1-based): chr20:21,132,123, A>G. VCF-style: chr20-21132123-A-G. GRCh37 (hg19) VCF-style: chr20-21112764-A-G.
Other names: c.-31A>G (NM_001163022.3, NM_001163023.3, NM_001352435.2); c.116A>G, p.Lys39Arg (NM_001352434.2); c.-271A>G (NM_001352436.2); c.168+5919A>G (NM_001276389.2); short protein forms K39R.
Identifiers: ClinVar variation 1486438 (VCV001486438.6), dbSNP rs2122310497, ClinGen allele CA408487883.